The following is an entry in ClinVar:

NM_000435.3(NOTCH3):c.553T>C (p.Cys185Arg)

Gene: NOTCH3 (notch receptor 3; minus strand). Cytogenetic location: 19p13.12.
Variant type: single nucleotide variant.
Coding change: c.553T>C on transcript NM_000435.3 (MANE Select); coding-DNA position 553, T replaced by C.
Protein change: p.Cys185Arg; replaces cysteine 185 with arginine.
Molecular consequence: missense variant.
Genome position (GRCh38, 1-based): chr19:15,192,086, A>G on the plus strand (T>C on the coding strand, the complement: NOTCH3 is on the minus strand). VCF-style: chr19-15192086-A-G. GRCh37 (hg19) VCF-style: chr19-15302897-A-G.
Other names: p.Cys185Arg; short protein forms C185R.
Identifiers: ClinVar variation 585609 (VCV000585609.11), dbSNP rs1568361844, ClinGen allele CA404533599.
Genomic context (GRCh38, chr19:15,192,086, plus strand): 5'-GTGAGGGTGCACAGGGCACCGCGGGGTTCTCACATAGTGGCCCTGTGTAGCCAGCTGGAC[A>G]CTGGCAGCGGAAGGAGCCAGGTGTGTTGAGGCAGGTGCCACCATGGCGGCAGGGCTCACC-3'
Protein context (NP_000426.2, residues 175-195): LNTPGSFRCQ[Cys185Arg]PAGYTGPLCE

ClinVar aggregate classification (germline): Pathogenic. Review status: criteria provided, multiple submitters, no conflicts (2 of 4 stars). 4 submissions from 4 submitters: Pathogenic (4). Last evaluated 2025-12-29.

Conditions:
NOTCH3-related disorder. Also called: NOTCH3-related condition; NOTCH3-related disorders.

Allele frequency attached by ClinVar (database versions not stated): gnomAD 0.00001.

Submissions (4):

Labcorp Genetics (formerly Invitae), Labcorp
Classification: Pathogenic. Last evaluated: 2025-12-29. Review status: criteria provided, single submitter. Criteria: Invitae Variant Classification Sherloc (09022015). Collection method: clinical testing. Allele origin: germline.
Comment: This sequence change replaces cysteine, which is neutral and slightly polar, with arginine, which is basic and polar, at codon 185 of the NOTCH3 protein (p.Cys185Arg). This variant is not present in population databases (gnomAD no frequency). This missense change has been observed in individuals with cerebral arteriopathy with subcortical infarcts and leukoencephalopathy (CADASIL) (PMID: 9388399, 30402942; internal data). ClinVar contains an entry for this variant (Variation ID: 585609). Invitae Evidence Modeling of protein sequence and biophysical properties (such as structural, functional, and spatial information, amino acid conservation, physicochemical variation, residue mobility, and thermodynamic stability) indicates that this missense variant is expected to disrupt NOTCH3 protein function with a positive predictive value of 95%. Experimental studies have shown that this missense change affects NOTCH3 function (PMID: 19825845, 22079830). This variant disrupts the p.Cys185 amino acid residue in NOTCH3. Other variant(s) that disrupt this residue have been determined to be pathogenic (PMID: 25033846, 28991717, 31443546, 32277177). This suggests that this residue is clinically significant, and that variants that disrupt this residue are likely to be disease-causing. For these reasons, this variant has been classified as Pathogenic.

Mayo Clinic Laboratories, Mayo Clinic
Classification: Pathogenic. Last evaluated: 2024-03-25. Review status: criteria provided, single submitter. Criteria: ACMG Guidelines, 2015. Collection method: clinical testing. Allele origin: germline. Observed: 2 variant alleles.
Comment: PP3, PP4, PM1, PM2, PM5, PS3, PS4_moderate

Athena Diagnostics
Classification: Pathogenic. Last evaluated: 2023-10-16. Review status: criteria provided, single submitter. Criteria: Athena Diagnostics Criteria. Collection method: clinical testing. Allele origin: unknown.
Comment: The frequency of this variant in the general population is consistent with pathogenicity. This variant has been identified in at least one individual with CADASIL. At least one other missense variant at this codon is considered to be pathogenic or likely pathogenic, suggesting this variant may also cause disease. Assessment of experimental evidence suggests this variant results in abnormal protein function. (PMID 19825845) This variant alters a critical location within the protein, and is expected to severely affect function and cause disease. Greater than 90% of NOTCH3 pathogenic variants associated with CADASIL involve the gain or loss of a cysteine residue within the epidermal growth factor (EGF)-like repeat domain (PMID: 32457593, 20301673).

Blueprint Genetics
Classification: Pathogenic for NOTCH3-related disorders. Last evaluated: 2021-11-10. Review status: criteria provided, single submitter. Criteria: ACMG Guidelines, 2015. Collection method: clinical testing. Allele origin: germline. Affected: yes. Observed: 1 variant allele.

Literature cited by the submitters: PubMed 9388399 (cited by 3 submitters); PubMed 30402942 (cited by Labcorp Genetics (formerly Invitae), Labcorp and Mayo Clinic Laboratories, Mayo Clinic); PubMed 19825845 (cited by 3 submitters); PubMed 22079830 (cited by 3 submitters); PubMed 25033846 (cited by Labcorp Genetics (formerly Invitae), Labcorp); PubMed 28991717 (cited by Labcorp Genetics (formerly Invitae), Labcorp); PubMed 31443546 (cited by Labcorp Genetics (formerly Invitae), Labcorp); PubMed 32277177 (cited by Labcorp Genetics (formerly Invitae), Labcorp and Mayo Clinic Laboratories, Mayo Clinic); PubMed 16107360 (cited by Mayo Clinic Laboratories, Mayo Clinic); PubMed 34706522 (cited by Athena Diagnostics); PubMed 11102981 (cited by Athena Diagnostics).